The following is an entry in ClinVar:

NM_024642.5(GALNT12):c.1664C>A (p.Ser555Ter)

Gene: GALNT12 (polypeptide N-acetylgalactosaminyltransferase 12; plus strand). Cytogenetic location: 9q22.33.
Variant type: single nucleotide variant.
Coding change: c.1664C>A on transcript NM_024642.5 (MANE Select); coding-DNA position 1664, C replaced by A.
Protein change: p.Ser555Ter; replaces serine 555 with a stop codon.
Molecular consequence: nonsense.
Genome position (GRCh38, 1-based): chr9:98,849,010, C>A. VCF-style: chr9-98849010-C-A. GRCh37 (hg19) VCF-style: chr9-101611292-C-A.
Other names: short protein forms S555*.
Identifiers: ClinVar variation 819780 (VCV000819780.5), dbSNP rs761631783, ClinGen allele CA374223025.
Genomic context (GRCh38, chr9:98,849,010, plus strand): 5'-AGGATGGATCTTTATTTCACGAACAGTCCAAGAAATGTGTCCAGGCTGCGAGGAAGGAGT[C>A]GAGTGACAGTTTCGTTCCACTCTTACGAGACTGCACCAACTCGGATCATCAGAAATGGTT-3'

ClinVar aggregate classification (germline): Uncertain significance (1 of 4 stars; one submission).

gnomAD v4.1: 7 of 1,613,966 alleles (0.00043%); highest among the groups gnomAD compares: Non-Finnish European, 0.00051%; no homozygotes.

Submission:

Ambry Genetics
Classification: Uncertain significance. Last evaluated: 2026-08-28. Review status: criteria provided, single submitter. Criteria: Ambry Variant Classification Scheme 2023. Collection method: clinical testing. Allele origin: germline.
Comment: The p.S555* variant (also known as c.1664C>A), located in coding exon 10 of the GALNT12 gene, results from a C to A substitution at nucleotide position 1664. This changes the amino acid from a serine to a stop codon within coding exon 10. This variant occurs at the 3' terminus of the gene and is not expected to trigger nonsense-mediated mRNA decay. The evidence for this gene-disease relationship is limited; therefore, the clinical significance of this variant is unclear.